The following is an entry in ClinVar:

ClinVar aggregate classification (germline): Likely benign. Review status: criteria provided, multiple submitters, no conflicts (2 of 4 stars). 9 submissions from 9 submitters: Likely benign (5). 4 of the submissions do not count toward it. Last evaluated 2026-01-24.

Conditions:
C1S-related disorder. Also called: C1S-related condition.

Allele frequency attached by ClinVar (database versions not stated): ESP Exome Variant Server 0.00054; ExAC 0.00063.

Submissions (9):

Labcorp Genetics (formerly Invitae), Labcorp
Classification: Likely benign. Last evaluated: 2026-01-24. Review status: criteria provided, single submitter. Criteria: Invitae Variant Classification Sherloc (09022015). Collection method: clinical testing. Allele origin: germline.

CeGaT Center for Human Genetics Tuebingen
Classification: Likely benign. Last evaluated: 2025-12-01. Review status: criteria provided, single submitter. Criteria: CeGaT Center For Human Genetics Tuebingen Variant Classification Criteria Version 2. Collection method: clinical testing. Allele origin: germline. Affected: yes. Observed: 7 variant alleles.
Comment: C1S: BP4, BP7

Mayo Clinic Laboratories, Mayo Clinic
Classification: Likely benign. Last evaluated: 2025-07-28. Review status: criteria provided, single submitter. Criteria: ACMG Guidelines, 2015. Collection method: clinical testing. Allele origin: germline. Observed: 1 variant allele.
Comment: BS1, BP4, BP7

Blueprint Genetics
Classification: Likely benign. Last evaluated: 2024-11-13. Review status: criteria provided, single submitter. Criteria: ACMG Guidelines, 2015. Collection method: clinical testing. Allele origin: germline.

Breakthrough Genomics
Classification: Likely benign. Review status: criteria provided, single submitter. Criteria: ACMG Guidelines, 2015. Collection method: not provided. Allele origin: germline. Inheritance: Autosomal dominant inheritance. Affected: yes.

PreventionGenetics, part of Exact Sciences
Classification: Likely benign for C1S-related condition. Last evaluated: 2020-02-25. Review status: no assertion criteria provided. Collection method: clinical testing. Allele origin: germline. Not counted in ClinVar's aggregate classification.
Comment: This variant is classified as likely benign based on ACMG/AMP sequence variant interpretation guidelines (Richards et al. 2015 PMID: 25741868, with internal and published modifications).

Clinical Genetics DNA and cytogenetics Diagnostics Lab, Erasmus MC, Erasmus Medical Center
Classification: Likely benign. Review status: no assertion criteria provided. Collection method: clinical testing. Allele origin: germline. Affected: yes. Study: VKGL Data-share Consensus. Not counted in ClinVar's aggregate classification.

Genome Diagnostics Laboratory, Amsterdam University Medical Center
Classification: Likely benign. Review status: no assertion criteria provided. Collection method: clinical testing. Allele origin: germline. Affected: yes. Study: VKGL Data-share Consensus. Not counted in ClinVar's aggregate classification.

Genome Diagnostics Laboratory, University Medical Center Utrecht
Classification: Likely benign. Review status: no assertion criteria provided. Collection method: clinical testing. Allele origin: germline. Affected: yes. Study: VKGL Data-share Consensus. Not counted in ClinVar's aggregate classification.

NM_001734.5(C1S):c.306A>G (p.Pro102=)

Gene: C1S (complement C1s; plus strand). Cytogenetic location: 12p13.31.
Variant type: single nucleotide variant.
Coding change: c.306A>G on transcript NM_001734.5 (MANE Select); coding-DNA position 306, A replaced by G.
Protein change: p.Pro102=; no amino-acid change (proline 102 retained).
Molecular consequence: synonymous variant. On other transcripts: 5 prime UTR variant (1).
Genome position (GRCh38, 1-based): chr12:7,062,982, A>G. VCF-style: chr12-7062982-A-G. GRCh37 (hg19) VCF-style: chr12-7170286-A-G.
Other names: p.Pro102=; c.306A>G (NM_201442.3); c.-196A>G (NM_001346850.2); c.306A>G, p.Pro102= (NM_201442.4).
Identifiers: ClinVar variation 1156867 (VCV001156867.46), dbSNP rs144939472, ClinGen allele CA6423371.